The following is an entry in ClinVar:

NM_006904.7(PRKDC):c.2531A>T (p.Glu844Val)

Gene: PRKDC (protein kinase, DNA-activated, catalytic subunit; minus strand). Cytogenetic location: 8q11.21.
Variant type: single nucleotide variant.
Coding change: c.2531A>T on transcript NM_006904.7 (MANE Select); coding-DNA position 2531, A replaced by T.
Protein change: p.Glu844Val; replaces glutamic acid 844 with valine.
Molecular consequence: missense variant.
Genome position (GRCh38, 1-based): chr8:47,915,414, T>A on the plus strand (A>T on the coding strand, the complement: PRKDC is on the minus strand). VCF-style: chr8-47915414-T-A. GRCh37 (hg19) VCF-style: chr8-48827974-T-A.
Other names: c.2531A>T, p.Glu844Val (NM_001081640.2); short protein forms E844V.
Identifiers: ClinVar variation 1792701 (VCV001792701.2), dbSNP rs2551877085, ClinGen allele CA371160073.

ClinVar aggregate classification (germline): Uncertain significance (1 of 4 stars; one submission).

Submission:

Ambry Genetics
Classification: Uncertain significance. Last evaluated: 2022-03-11. Review status: criteria provided, single submitter. Criteria: Ambry Variant Classification Scheme 2023. Collection method: clinical testing. Allele origin: germline.
Comment: The p.E844V variant (also known as c.2531A>T), located in coding exon 23 of the PRKDC gene, results from an A to T substitution at nucleotide position 2531. The glutamic acid at codon 844 is replaced by valine, an amino acid with dissimilar properties. This amino acid position is conserved. In addition, this alteration is predicted to be tolerated by in silico analysis. Since supporting evidence is limited at this time, the clinical significance of this alteration remains unclear.